The following is an entry in ClinVar:

NM_002471.4(MYH6):c.174G>C (p.Lys58Asn)

Genes: MYH6 (myosin heavy chain 6; minus strand), LOC114827851 (VISTA enhancer hs2155; plus strand). Cytogenetic location: 14q11.2.
Variant type: single nucleotide variant.
Coding change: c.174G>C on transcript NM_002471.4 (MANE Select); coding-DNA position 174, G replaced by C.
Protein change: p.Lys58Asn; replaces lysine 58 with asparagine.
Molecular consequence: missense variant.
Genome position (GRCh38, 1-based): chr14:23,407,050, C>G on the plus strand (G>C on the coding strand, the complement: MYH6 is on the minus strand). VCF-style: chr14-23407050-C-G. GRCh37 (hg19) VCF-style: chr14-23876259-C-G.
Other names: short protein forms K58N.
Identifiers: ClinVar variation 2274041 (VCV002274041.5), dbSNP rs1891810996, ClinGen allele CA389031909.
Genomic context (GRCh38, chr14:23,407,050, plus strand): 5'-TTCCCTTCTGCCCCGGCGCCATGCCCTACTCACCTTCCCATTCTCGGTTTCAGCAATGAC[C>G]TTGCCTCCCTCCCGGGACAAAATCTTGGCTTTGACAAACTCTTCCTTGTCATCGGGCACG-3'
Protein context (NP_002462.2, residues 48-68): KAKILSREGG[Lys58Asn]VIAETENGKT

ClinVar aggregate classification (germline): Uncertain significance. Review status: criteria provided, multiple submitters, no conflicts (2 of 4 stars). 2 submissions from 2 submitters: Uncertain significance (2). Last evaluated 2024-01-19.

Conditions:
Cardiovascular phenotype. Identifiers: MedGen CN230736.
Hypertrophic cardiomyopathy 14. Identifiers: MedGen C2750467, MONDO:0013197, OMIM 613251.

Submissions (2):

Labcorp Genetics (formerly Invitae), Labcorp
Classification: Uncertain significance for Hypertrophic cardiomyopathy 14. Last evaluated: 2024-01-19. Review status: criteria provided, single submitter. Criteria: Invitae Variant Classification Sherloc (09022015). Collection method: clinical testing. Allele origin: germline.
Comment: This sequence change replaces lysine, which is basic and polar, with asparagine, which is neutral and polar, at codon 58 of the MYH6 protein (p.Lys58Asn). This variant is not present in population databases (gnomAD no frequency). This variant has not been reported in the literature in individuals affected with MYH6-related conditions. ClinVar contains an entry for this variant (Variation ID: 2274041). Advanced modeling of protein sequence and biophysical properties (such as structural, functional, and spatial information, amino acid conservation, physicochemical variation, residue mobility, and thermodynamic stability) performed at Invitae indicates that this missense variant is not expected to disrupt MYH6 protein function with a negative predictive value of 80%. In summary, the available evidence is currently insufficient to determine the role of this variant in disease. Therefore, it has been classified as a Variant of Uncertain Significance.

Ambry Genetics
Classification: Uncertain significance for Cardiovascular phenotype. Last evaluated: 2022-01-27. Review status: criteria provided, single submitter. Criteria: Ambry Variant Classification Scheme 2023. Collection method: clinical testing. Allele origin: germline.